The following is an entry in ClinVar:

ClinVar aggregate classification (germline): Uncertain significance (1 of 4 stars; one submission).

Submission:

GeneDx
Classification: Uncertain significance. Last evaluated: 2024-10-18. Review status: criteria provided, single submitter. Criteria: GeneDx Variant Classification Process June 2021. Collection method: clinical testing. Allele origin: germline. Affected: yes.
Comment: Not observed at significant frequency in large population cohorts (gnomAD); In silico analysis supports that this missense variant has a deleterious effect on protein structure/function; Has not been previously published as pathogenic or benign to our knowledge

NM_006421.5(ARFGEF1):c.1796G>A (p.Gly599Asp)

Gene: ARFGEF1 (ARF guanine nucleotide exchange factor 1; minus strand). Cytogenetic location: 8q13.2.
Variant type: single nucleotide variant.
Coding change: c.1796G>A on transcript NM_006421.5 (MANE Select); coding-DNA position 1796, G replaced by A.
Protein change: p.Gly599Asp; replaces glycine 599 with aspartic acid.
Molecular consequence: missense variant. On other transcripts: non-coding transcript variant (1).
Genome position (GRCh38, 1-based): chr8:67,267,107, C>T on the plus strand (G>A on the coding strand, the complement: ARFGEF1 is on the minus strand). VCF-style: chr8-67267107-C-T. GRCh37 (hg19) VCF-style: chr8-68179342-C-T.
Other names: c.1796G>A, p.Gly599Asp (NM_001413184.1, NM_001413185.1, NM_001413186.1 and 7 more transcripts); c.1196G>A, p.Gly399Asp (NM_001413188.1, NM_001413193.1, NM_001413197.1); c.371G>A, p.Gly124Asp (NM_001413196.1); short protein forms G124D, G399D, G599D.
Identifiers: ClinVar variation 3893381 (VCV003893381.1).
Genomic context (GRCh38, chr8:67,267,107, plus strand): 5'-TTCCTGGTAAAGTTTAAATTTGAAAATGTTTTTATAGTTCTTACCTGAACATTACTCATA[C>T]CAAGTTCTTGACTGCCCCTTCCTTGAGCAATTTTTGATAGATCATTTACTAGTCTTTCAA-3'
Protein context (NP_006412.2, residues 589-609): IAQGRGSQEL[Gly599Asp]MSNVQELSLR